The following is an entry in ClinVar:

NM_002907.4(RECQL):c.1562G>C (p.Gly521Ala)

Gene: RECQL (RecQ like helicase; minus strand). Cytogenetic location: 12p12.1.
Variant type: single nucleotide variant.
Coding change: c.1562G>C on transcript NM_002907.4 (MANE Select); coding-DNA position 1562, G replaced by C.
Protein change: p.Gly521Ala; replaces glycine 521 with alanine.
Molecular consequence: missense variant.
Genome position (GRCh38, 1-based): chr12:21,471,533, C>G on the plus strand (G>C on the coding strand, the complement: RECQL is on the minus strand). VCF-style: chr12-21471533-C-G. GRCh37 (hg19) VCF-style: chr12-21624467-C-G.
Other names: c.1562G>C, p.Gly521Ala (NM_032941.3); short protein forms G521A.
Identifiers: ClinVar variation 2867609 (VCV002867609.3), dbSNP rs2540321252, ClinGen allele CA384116142.

ClinVar aggregate classification (germline): Uncertain significance (1 of 4 stars; one submission).

Submission:

Labcorp Genetics (formerly Invitae), Labcorp
Classification: Uncertain significance. Last evaluated: 2023-05-27. Review status: criteria provided, single submitter. Criteria: Invitae Variant Classification Sherloc (09022015). Collection method: clinical testing. Allele origin: germline.
Comment: In summary, the available evidence is currently insufficient to determine the role of this variant in disease. Therefore, it has been classified as a Variant of Uncertain Significance. Advanced modeling of protein sequence and biophysical properties (such as structural, functional, and spatial information, amino acid conservation, physicochemical variation, residue mobility, and thermodynamic stability) performed at Invitae indicates that this missense variant is not expected to disrupt RECQL protein function. This variant has not been reported in the literature in individuals affected with RECQL-related conditions. This variant is not present in population databases (gnomAD no frequency). This sequence change replaces glycine, which is neutral and non-polar, with alanine, which is neutral and non-polar, at codon 521 of the RECQL protein (p.Gly521Ala).